The following is an entry in ClinVar:

NM_003072.5(SMARCA4):c.954C>G (p.Val318=)

Gene: SMARCA4 (SWI/SNF related BAF chromatin remodeling complex subunit ATPase 4; plus strand). Cytogenetic location: 19p13.2.
Variant type: single nucleotide variant.
Coding change: c.954C>G on transcript NM_003072.5 (MANE Select); coding-DNA position 954, C replaced by G.
Protein change: p.Val318=; no amino-acid change (valine 318 retained).
Molecular consequence: synonymous variant. On other transcripts: non-coding transcript variant (1).
Genome position (GRCh38, 1-based): chr19:10,987,760, C>G. VCF-style: chr19-10987760-C-G. GRCh37 (hg19) VCF-style: chr19-11098436-C-G.
Other names: c.954C>G, p.Val318= (NM_001128844.3, NM_001128845.2, NM_001128846.2 and 5 more transcripts).
Identifiers: ClinVar variation 415060 (VCV000415060.19), dbSNP rs1060504436, ClinGen allele CA16616103.

ClinVar aggregate classification (germline): Benign/Likely benign. Review status: criteria provided, multiple submitters, no conflicts (2 of 4 stars). 4 submissions from 4 submitters: Benign (1); Likely benign (3). Last evaluated 2026-07-09.

Conditions:
Rhabdoid tumor predisposition syndrome 2 (RTPS2). Identifiers: Orphanet 231108, Orphanet 69077, MedGen C2750074, MONDO:0013224, OMIM 613325.
Hereditary cancer-predisposing syndrome. Also called: Hereditary Cancer Syndrome; Hereditary neoplastic syndrome; Neoplastic Syndromes, Hereditary; Tumor predisposition. Identifiers: Orphanet 140162, MedGen C0027672, MeSH D009386, MONDO:0015356.

Allele frequency attached by ClinVar (database versions not stated): gnomAD 0.00003; TOPMed 0.00001; gnomAD exomes 0.00001.
gnomAD v4.1: 10 of 1,599,984 alleles (0.00063%); highest among the groups gnomAD compares: African/African-American, 0.013%; no homozygotes.

Submissions (4):

Myriad Genetics, Inc.
Classification: Benign for Rhabdoid tumor predisposition syndrome 2. Last evaluated: 2026-07-09. Review status: criteria provided, single submitter. Criteria: Myriad Autosomal Dominant, Autosomal Recessive and X-Linked Classification Criteria (2023). Collection method: clinical testing. Allele origin: unknown.
Comment: This variant is considered benign. This variant is a silent/synonymous amino acid change and it is not expected to impact splicing.

Labcorp Genetics (formerly Invitae), Labcorp
Classification: Likely benign for Rhabdoid tumor predisposition syndrome 2. Last evaluated: 2025-12-24. Review status: criteria provided, single submitter. Criteria: Invitae Variant Classification Sherloc (09022015). Collection method: clinical testing. Allele origin: germline.

Sema4
Classification: Likely benign for Hereditary cancer-predisposing syndrome. Last evaluated: 2021-05-17. Review status: criteria provided, single submitter. Criteria: Sema4 Curation Guidelines. Collection method: curation. Allele origin: germline.

Ambry Genetics
Classification: Likely benign for Hereditary cancer-predisposing syndrome. Last evaluated: 2018-11-19. Review status: criteria provided, single submitter. Criteria: Ambry Variant Classification Scheme 2023. Collection method: clinical testing. Allele origin: germline.